The following is an entry in ClinVar:

NM_000313.4(PROS1):c.1323+37G>A

Gene: PROS1 (protein S; minus strand). Cytogenetic location: 3q11.1.
Variant type: single nucleotide variant.
Coding change: c.1323+37G>A on transcript NM_000313.4 (MANE Select); 37 bases into the intron after coding-DNA position 1323, G replaced by A.
Molecular consequence: intron variant.
Genome position (GRCh38, 1-based): chr3:93,886,299, C>T on the plus strand (G>A on the coding strand, the complement: PROS1 is on the minus strand). VCF-style: chr3-93886299-C-T. GRCh37 (hg19) VCF-style: chr3-93605143-C-T.
Other names: c.1419+37G>A (NM_001314077.2).
Identifiers: ClinVar variation 3058209 (VCV003058209.2), dbSNP rs750396223, ClinGen allele CA2503218.

ClinVar aggregate classification (germline): Likely benign (0 of 4 stars; one submission).

Conditions:
PROS1-related disorder. Also called: PROS1-related condition.

gnomAD v4.1: 48 of 1,578,150 alleles (0.003%); highest among the groups gnomAD compares: East Asian, 0.022%; no homozygotes.

Submission:

PreventionGenetics, part of Exact Sciences
Classification: Likely benign for PROS1-related condition. Last evaluated: 2019-03-26. Review status: no assertion criteria provided. Collection method: clinical testing. Allele origin: germline.
Comment: This variant is classified as likely benign based on ACMG/AMP sequence variant interpretation guidelines (Richards et al. 2015 PMID: 25741868, with internal and published modifications).